The following is an entry in ClinVar:

NM_032590.5(KDM2B):c.2418C>T (p.Tyr806=)

Gene: KDM2B (lysine demethylase 2B; minus strand). Cytogenetic location: 12q24.31.
Variant type: single nucleotide variant.
Coding change: c.2418C>T on transcript NM_032590.5 (MANE Select); coding-DNA position 2418, C replaced by T.
Protein change: p.Tyr806=; no amino-acid change (tyrosine 806 retained).
Molecular consequence: synonymous variant.
Genome position (GRCh38, 1-based): chr12:121,444,045, G>A on the plus strand (C>T on the coding strand, the complement: KDM2B is on the minus strand). VCF-style: chr12-121444045-G-A. GRCh37 (hg19) VCF-style: chr12-121881848-G-A.
Other names: c.2325C>T, p.Tyr775= (NM_001005366.2).
Identifiers: ClinVar variation 3059884 (VCV003059884.2), dbSNP rs10849885, ClinGen allele CA6836567.

ClinVar aggregate classification (germline): Benign (0 of 4 stars; one submission).

Conditions:
KDM2B-related disorder. Also called: KDM2B-related condition.

Allele frequency attached by ClinVar (database versions not stated): ESP Exome Variant Server 0.30833; 1000 Genomes Project 30x 0.31980; TOPMed 0.32166; 1000 Genomes Project 0.32288; gnomAD 0.33584; ExAC 0.37381; gnomAD exomes 0.38076.

Submission:

PreventionGenetics, part of Exact Sciences
Classification: Benign for KDM2B-related condition. Last evaluated: 2019-10-18. Review status: no assertion criteria provided. Collection method: clinical testing. Allele origin: germline.
Comment: This variant is classified as benign based on ACMG/AMP sequence variant interpretation guidelines (Richards et al. 2015 PMID: 25741868, with internal and published modifications).